The following is an entry in ClinVar:

ClinVar aggregate classification (germline): Uncertain significance. Review status: criteria provided, multiple submitters, no conflicts (2 of 4 stars). 3 submissions from 3 submitters: Uncertain significance (3). Last evaluated 2026-01-06.

Conditions:
Charcot-Marie-Tooth disease type 2. Also called: Charcot-Marie-Tooth type 2. Identifiers: Orphanet 64746, MedGen C0270914, MONDO:0018993.

Allele frequency attached by ClinVar (database versions not stated): gnomAD 0.00001; gnomAD exomes 0.00002 and 0.00004; TOPMed 0.00002; ExAC 0.00007.
gnomAD v4.1: 28 of 1,613,788 alleles (0.0017%); highest among the groups gnomAD compares: Middle Eastern, 0.017%; no homozygotes.

Submissions (3):

Labcorp Genetics (formerly Invitae), Labcorp
Classification: Uncertain significance for Charcot-Marie-Tooth disease type 2. Last evaluated: 2026-01-06. Review status: criteria provided, single submitter. Criteria: Invitae Variant Classification Sherloc (09022015). Collection method: clinical testing. Allele origin: germline.
Comment: This sequence change replaces arginine, which is basic and polar, with cysteine, which is neutral and slightly polar, at codon 563 of the MFN2 protein (p.Arg563Cys). This variant is present in population databases (rs747733583, gnomAD 0.03%). This variant has not been reported in the literature in individuals affected with MFN2-related conditions. ClinVar contains an entry for this variant (Variation ID: 872229). Invitae Evidence Modeling of protein sequence and biophysical properties (such as structural, functional, and spatial information, amino acid conservation, physicochemical variation, residue mobility, and thermodynamic stability) has been performed for this missense variant. However, the output from this modeling did not meet the statistical confidence thresholds required to predict the impact of this variant on MFN2 protein function. In summary, the available evidence is currently insufficient to determine the role of this variant in disease. Therefore, it has been classified as a Variant of Uncertain Significance.

Blueprint Genetics
Classification: Uncertain significance. Last evaluated: 2024-02-07. Review status: criteria provided, single submitter. Criteria: ACMG Guidelines, 2015. Collection method: clinical testing. Allele origin: germline.

CeGaT Center for Human Genetics Tuebingen
Classification: Uncertain significance. Last evaluated: 2019-10-01. Review status: criteria provided, single submitter. Criteria: CeGaT Center For Human Genetics Tuebingen Variant Classification Criteria Version 2. Collection method: clinical testing. Allele origin: germline. Affected: yes. Observed: 1 variant allele.

NM_014874.4(MFN2):c.1687C>T (p.Arg563Cys)

Genes: MFN2 (mitofusin 2; plus strand), LOC129929426 (ATAC-STARR-seq lymphoblastoid active region 185; plus strand). Cytogenetic location: 1p36.22.
Variant type: single nucleotide variant.
Coding change: c.1687C>T on transcript NM_014874.4 (MANE Select); coding-DNA position 1687, C replaced by T.
Protein change: p.Arg563Cys; replaces arginine 563 with cysteine.
Molecular consequence: missense variant.
Genome position (GRCh38, 1-based): chr1:12,005,902, C>T. VCF-style: chr1-12005902-C-T. GRCh37 (hg19) VCF-style: chr1-12065959-C-T.
Other names: c.1687C>T, p.Arg563Cys (NM_001127660.2); short protein forms R563C.
Identifiers: ClinVar variation 872229 (VCV000872229.47), dbSNP rs747733583, ClinGen allele CA599170.